The following is an entry in ClinVar:

NM_001022.4(RPS19):c.356+5G>A

Genes: RPS19 (ribosomal protein S19; plus strand), RPS19-CD79A (RPS19-CD79A readthrough; plus strand). Cytogenetic location: 19q13.2.
Variant type: single nucleotide variant.
Coding change: c.356+5G>A on transcript NM_001022.4 (MANE Select); 5 bases into the intron after coding-DNA position 356, G replaced by A.
Molecular consequence: intron variant.
Genome position (GRCh38, 1-based): chr19:41,869,219, G>A. VCF-style: chr19-41869219-G-A. GRCh37 (hg19) VCF-style: chr19-42373289-G-A.
Other names: c.356+5G>A (NM_001321484.2, NM_001321483.2); c.369+5G>A (NM_001321485.2).
Identifiers: ClinVar variation 2821595 (VCV002821595.4), dbSNP rs2513683475, ClinGen allele CA2739276842.

ClinVar aggregate classification (germline): Uncertain significance. Review status: criteria provided, multiple submitters, no conflicts (2 of 4 stars). 2 submissions from 2 submitters: Uncertain significance (2). Last evaluated 2024-03-29.

Conditions:
Diamond-Blackfan anemia 1 (DBA1). Also called: RPS19-Related Diamond-Blackfan Anemia; BLACKFAN-DIAMOND SYNDROME; ANEMIA, CONGENITAL HYPOPLASTIC, OF BLACKFAN AND DIAMOND; ANEMIA, CONGENITAL ERYTHROID HYPOPLASTIC; RED CELL APLASIA, PURE, HEREDITARY; AREGENERATIVE ANEMIA, CHRONIC CONGENITAL. Identifiers: Orphanet 124, MedGen C2676137, MONDO:0007110, OMIM 105650.
Diamond-Blackfan anemia. Also called: Blackfan Diamond syndrome; Aregenerative anemia chronic congenital; Red cell aplasia, pure hereditary; Congenital hypoplastic anemia; Aase syndrome. Identifiers: Orphanet 124, MedGen C1260899, MeSH D029503, MONDO:0015253, HP:0004810.

Submissions (2):

Fulgent Genetics
Classification: Uncertain significance for Diamond-Blackfan anemia 1. Last evaluated: 2024-03-29. Review status: criteria provided, single submitter. Criteria: ACMG Guidelines, 2015. Collection method: clinical testing. Allele origin: germline.

Labcorp Genetics (formerly Invitae), Labcorp
Classification: Uncertain significance for Diamond-Blackfan anemia. Last evaluated: 2022-12-16. Review status: criteria provided, single submitter. Criteria: Invitae Variant Classification Sherloc (09022015). Collection method: clinical testing. Allele origin: germline.
Comment: This sequence change falls in intron 4 of the RPS19 gene. It does not directly change the encoded amino acid sequence of the RPS19 protein. It affects a nucleotide within the consensus splice site. This variant is not present in population databases (gnomAD no frequency). This variant has not been reported in the literature in individuals affected with RPS19-related conditions. Variants that disrupt the consensus splice site are a relatively common cause of aberrant splicing (PMID: 17576681, 9536098). Algorithms developed to predict the effect of sequence changes on RNA splicing suggest that this variant may create or strengthen a splice site. In summary, the available evidence is currently insufficient to determine the role of this variant in disease. Therefore, it has been classified as a Variant of Uncertain Significance.

Literature cited by the submitters: PubMed 17576681 (cited by Labcorp Genetics (formerly Invitae), Labcorp); PubMed 9536098 (cited by Labcorp Genetics (formerly Invitae), Labcorp).